The following is an entry in ClinVar:

NM_001130009.3(GEN1):c.562_563del (p.Lys188fs)

Gene: GEN1 (GEN1 structure-specific endonuclease; plus strand). Cytogenetic location: 2p24.2.
Variant type: Deletion.
Coding change: c.562_563del on transcript NM_001130009.3 (MANE Select); coding-DNA positions 562 to 563, 2 bases deleted (AA; older notation c.562_563delAA).
Protein change: p.Lys188fs; shifts the reading frame from lysine 188.
Molecular consequence: frameshift variant.
Genome position (GRCh38, 1-based): chr2:17,766,615-17,766,616, AA deleted. VCF-style (leftmost placement, unchanged base first): chr2-17766614-CAA-C. GRCh37 (hg19) VCF-style: chr2-17947881-CAA-C.
Other names: c.562_563del, p.Lys188fs (NM_182625.5); short protein forms K188fs.
Identifiers: ClinVar variation 2182248 (VCV002182248.4), dbSNP rs1416729020, ClinGen allele CA531045893.

ClinVar aggregate classification (germline): Uncertain significance (1 of 4 stars; one submission).

Allele frequency attached by ClinVar (database versions not stated): gnomAD exomes below 0.00001.

Submission:

Labcorp Genetics (formerly Invitae), Labcorp
Classification: Uncertain significance. Last evaluated: 2022-07-10. Review status: criteria provided, single submitter. Criteria: Invitae Variant Classification Sherloc (09022015). Collection method: clinical testing. Allele origin: germline.
Comment: In summary, the available evidence is currently insufficient to determine the role of this variant in disease. Therefore, it has been classified as a Variant of Uncertain Significance. This variant has not been reported in the literature in individuals affected with GEN1-related conditions. This variant is present in population databases (no rsID available, gnomAD 0.006%). This sequence change creates a premature translational stop signal (p.Lys188Glufs*2) in the GEN1 gene. It is expected to result in an absent or disrupted protein product. However, the current clinical and genetic evidence is not sufficient to establish whether loss-of-function variants in GEN1 cause disease.